The following is an entry in ClinVar:

NM_007194.4(CHEK2):c.610C>T (p.Leu204=)

Gene: CHEK2 (checkpoint kinase 2; minus strand). Cytogenetic location: 22q12.1.
Variant type: single nucleotide variant.
Coding change: c.610C>T on transcript NM_007194.4 (MANE Select); coding-DNA position 610, C replaced by T.
Protein change: p.Leu204=; no amino-acid change (leucine 204 retained).
Molecular consequence: synonymous variant. On other transcripts: 5 prime UTR variant (2), intron variant (1).
Genome position (GRCh38, 1-based): chr22:28,719,468, G>A on the plus strand (C>T on the coding strand, the complement: CHEK2 is on the minus strand). VCF-style: chr22-28719468-G-A. GRCh37 (hg19) VCF-style: chr22-29115456-G-A.
Other names: c.739C>T, p.Leu247= (NM_001005735.3, NM_001438294.1); c.-54C>T (NM_001257387.3, NM_001437942.1); c.703C>T, p.Leu235= (NM_001438293.1, NM_001438295.1); c.610C>T, p.Leu204= (NM_145862.3); c.482+5418C>T (NM_001349956.3).
Identifiers: ClinVar variation 1751666 (VCV001751666.3), dbSNP rs2146006962, ClinGen allele CA513945271.

ClinVar aggregate classification (germline): Benign/Likely benign. Review status: criteria provided, multiple submitters, no conflicts (2 of 4 stars). 2 submissions from 2 submitters: Benign (1); Likely benign (1). Last evaluated 2024-10-03.

Conditions:
Hereditary cancer-predisposing syndrome. Also called: Hereditary Cancer Syndrome; Hereditary neoplastic syndrome; Neoplastic Syndromes, Hereditary; Tumor predisposition. Identifiers: Orphanet 140162, MedGen C0027672, MeSH D009386, MONDO:0015356.
Familial cancer of breast. Also called: BREAST CANCER, FAMILIAL; hereditary breast carcinoma; Hereditary breast cancer. Identifiers: Orphanet 227535, MedGen C0346153, MONDO:0016419, OMIM 114480. Disease mechanism: loss of function.

gnomAD v4.1: 1 of 1,588,340 alleles (0.000063%); no homozygotes.

Submissions (2):

Myriad Genetics, Inc.
Classification: Benign for Familial cancer of breast. Last evaluated: 2024-10-03. Review status: criteria provided, single submitter. Criteria: Myriad Autosomal Dominant, Autosomal Recessive and X-Linked Classification Criteria (2023). Collection method: clinical testing. Allele origin: unknown.
Comment: This variant is considered benign. This variant is a silent/synonymous amino acid change and it is not expected to impact splicing.

Ambry Genetics
Classification: Likely benign for Hereditary cancer-predisposing syndrome. Last evaluated: 2021-10-04. Review status: criteria provided, single submitter. Criteria: Ambry Variant Classification Scheme 2023. Collection method: clinical testing. Allele origin: germline.